The following is an entry in ClinVar:

NM_004990.4(MARS1):c.1968-5_1968-2del

Gene: MARS1 (methionyl-tRNA synthetase 1; plus strand). Cytogenetic location: 12q13.3.
Variant type: Microsatellite.
Coding change: c.1968-5_1968-2del on transcript NM_004990.4 (MANE Select); 5 bases into the intron before coding-DNA position 1968 through the canonical splice acceptor site of the intron before coding-DNA position 1968, 4 bases deleted (CCAA; older notation c.1968-5_1968-2delCCAA).
Molecular consequence: splice acceptor variant.
Genome position (GRCh38, 1-based): chr12:57,514,715-57,514,718, CCAA deleted; deleting any 4 consecutive bases within chr12:57,514,711-57,514,718 gives the same sequence; the c. name uses the placement nearest the transcript's 3' end. VCF-style (leftmost placement, unchanged base first): chr12-57514710-CCCAA-C. GRCh37 (hg19) VCF-style: chr12-57908493-CCCAA-C.
Identifiers: ClinVar variation 1800240 (VCV001800240.2), dbSNP rs902582480, ClinGen allele CA237771914.

ClinVar aggregate classification (germline): Uncertain significance (1 of 4 stars; one submission).

Submission:

Ambry Genetics
Classification: Uncertain significance. Last evaluated: 2020-08-05. Review status: criteria provided, single submitter. Criteria: Ambry Variant Classification Scheme 2023. Collection method: clinical testing. Allele origin: germline.
Comment: The c.1968-5_1968-2delCCAA intronic variant results from a deletion of four nucleotides between positions c.1968-5 and 1968-2 before coding exon 16 of the MARS gene. These nucleotide positions are not well conserved in available vertebrate species. In silico splice site analysis predicts that this alteration will not have any significant effect on splicing. Since supporting evidence is limited at this time, the clinical significance of this alteration remains unclear.